The following is an entry in ClinVar:

ClinVar aggregate classification (germline): Benign. Review status: reviewed by expert panel (3 of 4 stars). 5 submissions from 5 submitters: Benign (1). 4 of the submissions do not count toward it. Last evaluated 2022-09-22.

Conditions:
Very long chain acyl-CoA dehydrogenase deficiency (ACADVLD). Also called: Very Long-Chain Acyl-Coenzyme A Dehydrogenase Deficiency; VLCAD Deficiency. Identifiers: Orphanet 26793, MedGen C3887523, MONDO:0008723, OMIM 201475.

Allele frequency attached by ClinVar (database versions not stated): gnomAD exomes 0.00732 and 0.01811; ExAC 0.02241; gnomAD 0.06574 and 0.07027; 1000 Genomes Project 0.07508; ESP Exome Variant Server 0.07509; 1000 Genomes Project 30x 0.07761.

Submissions (5):

ClinGen ACADVL Variant Curation Expert Panel, ClinGen
Classification: Benign for Very long chain acyl-CoA dehydrogenase deficiency. Last evaluated: 2022-09-22. Review status: reviewed by expert panel. Criteria: clingen acadvl acmg specifications v1. Collection method: curation. Allele origin: germline. Inheritance: Autosomal recessive inheritance.
Comment: The c.478-22_478-21del variant in ACADVL is an intronic variant which occurs in intron 6. The highest population minor allele frequency in gnomAD v2.1.1 is 0.2253 in the African population, which is higher than the ClinGen ACADVL Variant Curation Expert Panel threshold (≥0.007) for BA1, and therefore meets this criterion (BA1). The results from in silico splicing predictors (SpliceAI) support that this variant does not affect splicing (BP4). In summary, this variant meets the criteria to be classified as benign for autosomal recessive very long chain acyl-CoA dehydrogenase (VLCAD) deficiency based on the ACMG/AMP criteria applied, as specified by the ClinGen ACADVL Variant Curation Expert Panel: BA1, BP4.

Wong Mito Lab, Molecular and Human Genetics, Baylor College of Medicine
Classification: Benign for Very long chain acyl-CoA dehydrogenase deficiency. Last evaluated: 2019-11-01. Review status: criteria provided, single submitter. Criteria: ACMG Guidelines, 2015. Collection method: clinical testing. Allele origin: germline. Not counted in ClinVar's aggregate classification.
Comment: The NM_000018.3:c.478-22_478-21delCA (NP_000009.1:p.?) [GRCH38: NC_000017.11:g.7221516_7221517delCA] variant in ACADVL gene is interpretated to be Benign based on ACMG guidelines (PMID: 25741868). This variant has been reported. This variant meets the following evidence codes reported in the ACMG guidelines: BS1, BS2

ARUP Laboratories, Molecular Genetics and Genomics, ARUP Laboratories
Classification: Benign for Very long chain acyl-CoA dehydrogenase deficiency. Last evaluated: 2018-11-13. Review status: criteria provided, single submitter. Criteria: ARUP Molecular Germline Variant Investigation Process. Collection method: clinical testing. Allele origin: germline. Not counted in ClinVar's aggregate classification.

GeneDx
Classification: Benign. Last evaluated: 2015-03-03. Review status: criteria provided, single submitter. Criteria: GeneDx Variant Classification Process June 2021. Collection method: clinical testing. Allele origin: germline. Affected: yes. Not counted in ClinVar's aggregate classification.

PreventionGenetics, part of Exact Sciences
Classification: Likely benign. Review status: criteria provided, single submitter. Criteria: ACMG Guidelines, 2015. Collection method: clinical testing. Allele origin: germline. Not counted in ClinVar's aggregate classification.

NM_000018.4(ACADVL):c.478-22_478-21del

Gene: ACADVL (acyl-CoA dehydrogenase very long chain; plus strand). Cytogenetic location: 17p13.1.
Variant type: Deletion.
Coding change: c.478-22_478-21del on transcript NM_000018.4 (MANE Select); 22 bases into the intron before coding-DNA position 478 through 21 bases into the intron before coding-DNA position 478, 2 bases deleted (CA; older notation c.478-22_478-21delCA).
Molecular consequence: intron variant.
Genome position (GRCh38, 1-based): chr17:7,221,516-7,221,517, CA deleted. VCF-style (leftmost placement, unchanged base first): chr17-7221515-CCA-C. GRCh37 (hg19) VCF-style: chr17-7124834-CCA-C.
Other names: c.547-22_547-21del (NM_001270447.2); c.250-22_250-21del (NM_001270448.2); c.412-22_412-21del (NM_001033859.3); c.478-22_478-21delCA (NM_000018.4).
Identifiers: ClinVar variation 254701 (VCV000254701.16), dbSNP rs60400822, ClinGen allele CA8337734.
Genomic context (GRCh38, chr17:7,221,515, plus strand): 5'-ACTGCCCTGTTGCCCACACTCTCCTGTTAAGGTCAGGTCCCCCTGCAGCCAGTGACAACC[CCA>C]GATTCCTGCTTCCCCTCCAGTACGCCCGTTTGGTGGAGATCGTGGGCATGCATGACCTTG-3'